The following is an entry in ClinVar:

NM_000138.5(FBN1):c.3777_3778delinsC (p.Glu1260fs)

Gene: FBN1 (fibrillin 1; minus strand). Cytogenetic location: 15q21.1.
Variant type: Indel.
Coding change: c.3777_3778delinsC on transcript NM_000138.5 (MANE Select); coding-DNA positions 3777 to 3778, AG replaced by C.
Protein change: p.Glu1260fs; shifts the reading frame from glutamic acid 1260.
Molecular consequence: frameshift variant.
Genome position (GRCh38, 1-based): chr15:48,483,878-48,483,879, CT replaced by G on the plus strand (AG replaced by C on the coding strand, the reverse complement: FBN1 is on the minus strand). VCF-style: chr15-48483878-CT-G. GRCh37 (hg19) VCF-style: chr15-48776075-CT-G.
Other names: c.3777_3778delAGinsC, p.Glu1260Serfs (NM_000138.4); c.3777_3778delinsC, p.Glu1260fs (NM_001406716.1); short protein forms E1260fs.
Identifiers: ClinVar variation 3895458 (VCV003895458.1).

ClinVar aggregate classification (germline): Likely pathogenic (1 of 4 stars; one submission).

Conditions:
Cardiovascular phenotype. Identifiers: MedGen CN230736.

Submission:

Molecular Diagnostic Laboratory for Inherited Cardiovascular Disease, Montreal Heart Institute
Classification: Likely pathogenic for Cardiovascular phenotype. Last evaluated: 2025-03-04. Review status: criteria provided, single submitter. Criteria: ACMG Guidelines, 2015. Collection method: clinical testing. Allele origin: germline. Affected: yes.
Comment: PVS1, PM2